The following is an entry in ClinVar:

NM_001012339.3(DNAJC21):c.410T>C (p.Phe137Ser)

Gene: DNAJC21 (DnaJ heat shock protein family (Hsp40) member C21; plus strand). Cytogenetic location: 5p13.2.
Variant type: single nucleotide variant.
Coding change: c.410T>C on transcript NM_001012339.3 (MANE Select); coding-DNA position 410, T replaced by C.
Protein change: p.Phe137Ser; replaces phenylalanine 137 with serine.
Molecular consequence: missense variant.
Genome position (GRCh38, 1-based): chr5:34,936,238, T>C. VCF-style: chr5-34936238-T-C. GRCh37 (hg19) VCF-style: chr5-34936343-T-C.
Other names: c.410T>C, p.Phe137Ser (NM_001348420.2, NM_194283.4); short protein forms F137S.
Identifiers: ClinVar variation 1427599 (VCV001427599.8), dbSNP rs752188838, ClinGen allele CA3228438.

ClinVar aggregate classification (germline): Uncertain significance. Review status: criteria provided, multiple submitters, no conflicts (2 of 4 stars). 2 submissions from 2 submitters: Uncertain significance (2). Last evaluated 2022-09-01.

Conditions:
Bone marrow failure syndrome 3 (BMFS3). Identifiers: MedGen C4310744, MONDO:0014887, OMIM 617052.

Allele frequency attached by ClinVar (database versions not stated): gnomAD 0.00001; gnomAD exomes 0.00001 and 0.00002; ExAC 0.00002; TOPMed 0.00002.
gnomAD v4.1: 10 of 1,613,926 alleles (0.00062%); highest among the groups gnomAD compares: South Asian, 0.0011%; no homozygotes.

Submissions (2):

3billion
Classification: Uncertain significance for Bone marrow failure syndrome 3. Last evaluated: 2022-09-01. Review status: criteria provided, single submitter. Criteria: ACMG Guidelines, 2015. Collection method: clinical testing. Allele origin: germline. Affected: yes. Observed: 1 heterozygote.
Comment: The variant is observed at an extremely low frequency in the gnomAD v2.1.1 dataset (total allele frequency: 0.002%). Missense. In silico tool predictions suggest damaging effect of the variant on gene or gene product. However, the evidence of pathogenicity is insufficient at this time. Therefore, this variant is classified as uncertain significance according to the recommendation of ACMG/AMP guideline.

Labcorp Genetics (formerly Invitae), Labcorp
Classification: Uncertain significance. Last evaluated: 2021-06-06. Review status: criteria provided, single submitter. Criteria: Invitae Variant Classification Sherloc (09022015). Collection method: clinical testing. Allele origin: germline.
Comment: This sequence change replaces phenylalanine with serine at codon 137 of the DNAJC21 protein (p.Phe137Ser). The phenylalanine residue is highly conserved and there is a large physicochemical difference between phenylalanine and serine. In summary, the available evidence is currently insufficient to determine the role of this variant in disease. Therefore, it has been classified as a Variant of Uncertain Significance. Algorithms developed to predict the effect of missense changes on protein structure and function are either unavailable or do not agree on the potential impact of this missense change (SIFT: "Deleterious"; PolyPhen-2: "Probably Damaging"; Align-GVGD: "Class C0"). This variant has not been reported in the literature in individuals with DNAJC21-related conditions. This variant is present in population databases (rs752188838, ExAC 0.01%).